The following is an entry in ClinVar:

ClinVar aggregate classification (germline): Benign (0 of 4 stars; one submission).

Conditions:
DOCK3-related disorder. Also called: DOCK3-related condition.

Allele frequency attached by ClinVar (database versions not stated): ESP Exome Variant Server 0.00008; ExAC 0.00535; 1000 Genomes Project 30x 0.00828; 1000 Genomes Project 0.00859; TOPMed 0.00028; gnomAD 0.00128; gnomAD exomes 0.00226.
gnomAD v4.1: 3,515 of 1,609,812 alleles (0.22%); highest among the groups gnomAD compares: South Asian, 3.7%; 93 homozygotes.

Submissions (2):

PreventionGenetics, part of Exact Sciences
Classification: Benign for DOCK3-related condition. Last evaluated: 2019-06-05. Review status: no assertion criteria provided. Collection method: clinical testing. Allele origin: germline.
Comment: This variant is classified as benign based on ACMG/AMP sequence variant interpretation guidelines (Richards et al. 2015 PMID: 25741868, with internal and published modifications).

Dr. Peter K. Rogan Lab, Western University
No classification provided (evidence only). Condition: Malignant lymphoma, large B-cell, diffuse. Review status: no classification provided. Collection method: in vitro. Allele origin: not applicable. Functional consequence: retained intron. Not counted in ClinVar's aggregate classification.

NM_004947.5(DOCK3):c.2548+6T>A

Gene: DOCK3 (dedicator of cytokinesis 3; plus strand). Cytogenetic location: 3p21.2.
Variant type: single nucleotide variant.
Coding change: c.2548+6T>A on transcript NM_004947.5 (MANE Select); 6 bases into the intron after coding-DNA position 2548, T replaced by A.
Molecular consequence: intron variant.
Genome position (GRCh38, 1-based): chr3:51,271,013, T>A. VCF-style: chr3-51271013-T-A. GRCh37 (hg19) VCF-style: chr3-51308444-T-A.
Other names: NC_000003.11:g.51308444T>A.
Identifiers: ClinVar variation 3044189 (VCV003044189.3), dbSNP rs371514131, ClinGen allele CA2421212.